The following is an entry in ClinVar:

NM_001164508.2(NEB):c.21840+13A>C

Genes: NEB (nebulin; minus strand), RIF1 (replication timing regulatory factor 1; plus strand). Cytogenetic location: 2q23.3.
Variant type: single nucleotide variant.
Coding change: c.21840+13A>C on transcript NM_001164508.2 (MANE Select); 13 bases into the intron after coding-DNA position 21840, A replaced by C.
Molecular consequence: intron variant.
Genome position (GRCh38, 1-based): chr2:151,527,468, T>G on the plus strand (A>C on the coding strand, the complement: NEB is on the minus strand). VCF-style: chr2-151527468-T-G. GRCh37 (hg19) VCF-style: chr2-152383982-T-G.
Other names: c.16737+13A>C (NM_004543.5); c.21840+13A>C (NM_001164507.2); c.21945+13A>C (NM_001271208.2).
Identifiers: ClinVar variation 257790 (VCV000257790.16), dbSNP rs75515097, ClinGen allele CA1906864.

ClinVar aggregate classification (germline): Conflicting classifications of pathogenicity. Review status: criteria provided, conflicting classifications (1 of 4 stars). 5 submissions from 5 submitters: Uncertain significance (1); Benign (2); Likely benign (2). Last evaluated 2026-01-31.

Conditions:
Nemaline myopathy 2 (NEM2). Also called: Nemaline myopathy 2, autosomal recessive. Identifiers: MedGen C1850569, MONDO:0009725, OMIM 256030.

Allele frequency attached by ClinVar (database versions not stated): gnomAD exomes 0.00010 and 0.00026; ExAC 0.00046; 1000 Genomes Project 30x 0.00062; 1000 Genomes Project 0.00080; gnomAD 0.00100 and 0.00104; ESP Exome Variant Server 0.00123; TOPMed 0.00138.
gnomAD v4.1: 309 of 1,595,974 alleles (0.019%); highest among the groups gnomAD compares: African/African-American, 0.38%; 1 homozygote.

Submissions (5):

Labcorp Genetics (formerly Invitae), Labcorp
Classification: Benign for Nemaline myopathy 2. Last evaluated: 2026-01-31. Review status: criteria provided, single submitter. Criteria: Invitae Variant Classification Sherloc (09022015). Collection method: clinical testing. Allele origin: germline.

Blueprint Genetics
Classification: Likely benign. Last evaluated: 2024-11-01. Review status: criteria provided, single submitter. Criteria: ACMG Guidelines, 2015. Collection method: clinical testing. Allele origin: germline.

GeneDx
Classification: Likely benign. Last evaluated: 2018-03-13. Review status: criteria provided, single submitter. Criteria: GeneDx Variant Classification (06012015). Collection method: clinical testing. Allele origin: germline. Affected: yes.
Comment: This variant is considered likely benign or benign based on one or more of the following criteria: it is a conservative change, it occurs at a poorly conserved position in the protein, it is predicted to be benign by multiple in silico algorithms, and/or has population frequency not consistent with disease.

Illumina Laboratory Services, Illumina
Classification: Uncertain significance for Nemaline myopathy 2. Last evaluated: 2018-01-13. Review status: criteria provided, single submitter. Criteria: ICSL Variant Classification Criteria 13 December 2019. Collection method: clinical testing. Allele origin: germline.

PreventionGenetics, part of Exact Sciences
Classification: Benign. Review status: criteria provided, single submitter. Criteria: ACMG Guidelines, 2015. Collection method: clinical testing. Allele origin: germline.